The following is an entry in ClinVar:

NM_016032.4(ZDHHC9):c.173G>A (p.Arg58His)

Gene: ZDHHC9 (zDHHC palmitoyltransferase 9; minus strand). Cytogenetic location: Xq26.1.
Variant type: single nucleotide variant.
Coding change: c.173G>A on transcript NM_016032.4 (MANE Select); coding-DNA position 173, G replaced by A.
Protein change: p.Arg58His; replaces arginine 58 with histidine.
Molecular consequence: missense variant.
Genome position (GRCh38, 1-based): chrX:129,829,136, C>T on the plus strand (G>A on the coding strand, the complement: ZDHHC9 is on the minus strand). VCF-style: chrX-129829136-C-T. GRCh37 (hg19) VCF-style: chrX-128963112-C-T.
Other names: c.173G>A, p.Arg58His (NM_001008222.3); short protein forms R58H.
Identifiers: ClinVar variation 4085911 (VCV004085911.8).

ClinVar aggregate classification (germline): Uncertain significance (1 of 4 stars; one submission).

Submission:

CeGaT Center for Human Genetics Tuebingen
Classification: Uncertain significance. Last evaluated: 2025-08-01. Review status: criteria provided, single submitter. Criteria: CeGaT Center For Human Genetics Tuebingen Variant Classification Criteria Version 2. Collection method: clinical testing. Allele origin: germline. Affected: yes. Observed: 1 variant allele.
Comment: ZDHHC9: PP2